The following is an entry in ClinVar:

NM_003742.4(ABCB11):c.3164T>C (p.Leu1055Pro)

Gene: ABCB11 (ATP binding cassette subfamily B member 11; minus strand). Cytogenetic location: 2q31.1.
Variant type: single nucleotide variant.
Coding change: c.3164T>C on transcript NM_003742.4 (MANE Select); coding-DNA position 3164, T replaced by C.
Protein change: p.Leu1055Pro; replaces leucine 1055 with proline.
Molecular consequence: missense variant.
Genome position (GRCh38, 1-based): chr2:168,932,426, A>G on the plus strand (T>C on the coding strand, the complement: ABCB11 is on the minus strand). VCF-style: chr2-168932426-A-G. GRCh37 (hg19) VCF-style: chr2-169788936-A-G.
Other names: NM_003742.4(ABCB11):c.3164T>C; p.Leu1055Pro; c.3164T>C (NM_003742.2); short protein forms L1055P.
Identifiers: ClinVar variation 1403862 (VCV001403862.11), dbSNP rs747153406, ClinGen allele CA1951093.

ClinVar aggregate classification (germline): Conflicting classifications of pathogenicity. Review status: criteria provided, conflicting classifications (1 of 4 stars). 4 submissions from 4 submitters: Pathogenic (1); Uncertain significance (3). Last evaluated 2026-04-14.

Conditions:
Familial intrahepatic cholestasis. Identifiers: Orphanet 284385, MedGen CN296401, MONDO:0017290.
Progressive familial intrahepatic cholestasis type 2. Identifiers: Orphanet 79304, MedGen C3489789, MONDO:0011156, OMIM 601847.

Allele frequency attached by ClinVar (database versions not stated): gnomAD exomes below 0.00001; ExAC 0.00002.
gnomAD v4.1: 1 of 1,598,516 alleles (0.000063%); highest among the groups gnomAD compares: South Asian, 0.0011%; no homozygotes.

Submissions (4):

Genomenon, Inc
Classification: Uncertain significance for Familial intrahepatic cholestasis. Last evaluated: 2026-04-14. Review status: criteria provided, single submitter. Criteria: Genomenon Sequence Variant Interpretation Standards - Updated. Collection method: curation. Allele origin: germline. Affected: yes.
Comment: ABCB11 p.Leu1055Pro (c.3164T>C) is a missense variant that changes the amino acid at residue 1055 from Leucine to Proline. This variant has been observed in at least one proband with an ABCB11-related disorder (PMID:39143102;21490445). It is absent or not present at a significant frequency in gnomAD. In silico models predict that this variant is possibly or probably damaging. In conclusion, we classify ABCB11 p.Leu1055Pro (c.3164T>C) as a variant of uncertain significance.

Broad Center for Mendelian Genomics, Broad Institute of MIT and Harvard
Classification: Uncertain significance for Progressive familial intrahepatic cholestasis type 2. Last evaluated: 2025-01-23. Review status: criteria provided, single submitter. Criteria: ACMG Guidelines, 2015. Collection method: curation. Allele origin: germline. Inheritance: Autosomal recessive inheritance.
Comment: The p.Leu1055Pro variant in ABCB11 has been reported in 2 individuals with BSEP deficiency (PMID: 21490445, 39143102), and has been identified in 0.001% (1/88136) of South Asian chromosomes by the Genome Aggregation Database (gnomAD; dbSNP rs747153406). Although this variant has been seen in the general population in a heterozygous state, its frequency is low enough to be consistent with a recessive carrier frequency. This variant has also been reported in ClinVar (Variation ID: 1403862) and has been interpreted as a variant of uncertain significance by Invitae. Of the 2 affected individuals, both of those were homozygotes, which increases the likelihood that the p.Leu1055Pro variant is pathogenic (PMID: 21490445, 39143102). Computational prediction tools and conservation analyses suggest that this variant may impact the protein, though this information is not predictive enough to determine pathogenicity. In summary, while there is some suspicion for a pathogenic role, the clinical significance of this variant is uncertain. ACMG/AMP Criteria applied: PP3_moderate, PM2_supporting, PM3 (Richards 2015).

Labcorp Genetics (formerly Invitae), Labcorp
Classification: Uncertain significance. Last evaluated: 2021-08-23. Review status: criteria provided, single submitter. Criteria: Invitae Variant Classification Sherloc (09022015). Collection method: clinical testing. Allele origin: germline.
Comment: This variant has been observed in individual(s) with progressive familial intrahepatic cholestasis (PMID: 21490445). Advanced modeling of protein sequence and biophysical properties (such as structural, functional, and spatial information, amino acid conservation, physicochemical variation, residue mobility, and thermodynamic stability) performed at Invitae indicates that this missense variant is expected to disrupt ABCB11 protein function. In summary, the available evidence is currently insufficient to determine the role of this variant in disease. Therefore, it has been classified as a Variant of Uncertain Significance. This variant is present in population databases (rs747153406, ExAC 0.004%). This sequence change replaces leucine with proline at codon 1055 of the ABCB11 protein (p.Leu1055Pro). The leucine residue is moderately conserved and there is a moderate physicochemical difference between leucine and proline.

Rolfs Rare Disease Consulting, Rolfs Consulting Und Verwaltungs GmbH
Classification: Pathogenic for Progressive familial intrahepatic cholestasis type 2. Last evaluated: 2020-01-01. Review status: criteria provided, single submitter. Criteria: ACMG Guidelines, 2015. Collection method: clinical testing. Allele origin: germline. Affected: yes.

Literature cited by the submitters: PubMed 39143102 (cited by Genomenon, Inc); PubMed 21490445 (cited by Genomenon, Inc and Labcorp Genetics (formerly Invitae), Labcorp).